The following is an entry in ClinVar:

ClinVar aggregate classification (germline): Uncertain significance (1 of 4 stars; one submission).

gnomAD v4.1: 18 of 1,608,152 alleles (0.0011%); highest among the groups gnomAD compares: Non-Finnish European, 0.0014%; no homozygotes.

Submission:

Ambry Genetics
Classification: Uncertain significance. Last evaluated: 2025-02-27. Review status: criteria provided, single submitter. Criteria: Ambry Variant Classification Scheme 2023. Collection method: clinical testing. Allele origin: germline.
Comment: The p.S395A variant (also known as c.1183T>G), located in coding exon 6 of the PALLD gene, results from a T to G substitution at nucleotide position 1183. The serine at codon 395 is replaced by alanine, an amino acid with similar properties. This amino acid position is conserved. In addition, this alteration is predicted to be tolerated by in silico analysis. Based on the available evidence, the clinical significance of this variant remains unclear.

NM_001166108.2(PALLD):c.2695T>G (p.Ser899Ala)

Genes: CBR4 (carbonyl reductase 4; minus strand), PALLD (palladin, cytoskeletal associated protein; plus strand). Cytogenetic location: 4q32.3.
Variant type: single nucleotide variant.
Coding change: c.2695T>G on transcript NM_001166108.2 (MANE Select); coding-DNA position 2695, T replaced by G.
Protein change: p.Ser899Ala; replaces serine 899 with alanine.
Molecular consequence: missense variant.
Genome position (GRCh38, 1-based): chr4:168,913,999, T>G. VCF-style: chr4-168913999-T-G. GRCh37 (hg19) VCF-style: chr4-169835150-T-G.
Other names: c.1498T>G, p.Ser500Ala (NM_001166109.2); c.1183T>G, p.Ser395Ala (NM_001166110.2); c.523T>G, p.Ser175Ala (NM_001367567.1, NM_001367569.1); c.574T>G, p.Ser192Ala (NM_001367568.1, NM_001367570.1); c.2644T>G, p.Ser882Ala (NM_016081.4); short protein forms S175A, S192A, S395A, S500A, S882A, S899A.
Identifiers: ClinVar variation 3885355 (VCV003885355.1).